The following is an entry in ClinVar:

NM_001754.5(RUNX1):c.496C>A (p.Arg166=)

Genes: RUNX1 (RUNX family transcription factor 1; minus strand), RUNX1-AS1 (RUNX1 antisense RNA 1; plus strand). Cytogenetic location: 21q22.12.
Variant type: single nucleotide variant.
Coding change: c.496C>A on transcript NM_001754.5 (MANE Select); coding-DNA position 496, C replaced by A.
Protein change: p.Arg166=; no amino-acid change (arginine 166 retained).
Molecular consequence: synonymous variant.
Genome position (GRCh38, 1-based): chr21:34,880,569, G>T on the plus strand (C>A on the coding strand, the complement: RUNX1 is on the minus strand). VCF-style: chr21-34880569-G-T. GRCh37 (hg19) VCF-style: chr21-36252866-G-T.
Other names: NM_001754.5(RUNX1):c.496C>A; p.Arg166=; c.415C>A, p.Arg139= (NM_001001890.3, NM_001122607.2).
Identifiers: ClinVar variation 570036 (VCV000570036.16), dbSNP rs759068561, ClinGen allele CA10014502.

ClinVar aggregate classification (germline): Likely benign. Review status: reviewed by expert panel (3 of 4 stars). 3 submissions from 3 submitters: Likely benign (1). 2 of the submissions do not count toward it. Last evaluated 2022-08-23.

Conditions:
Inborn genetic diseases. Identifiers: MedGen C0950123, MeSH D030342.
Hereditary thrombocytopenia and hematological cancer predisposition syndrome associated with RUNX1. Also called: Familial Platelet Disorder with Propensity to Acute Myelogenous Leukemia; Familial thrombocytopenia with propensity to acute myelogenous leukemia; PLATELET DISORDER, ASPIRIN-LIKE; RUNX1 Familial Platelet Disorder with Associated Myeloid Malignancies. Identifiers: Orphanet 71290, MedGen C1832388, MeSH C563324, MONDO:0100083, OMIM 601399.

Allele frequency attached by ClinVar (database versions not stated): gnomAD exomes below 0.00001; ExAC 0.00001.
gnomAD v4.1: 2 of 1,613,890 alleles (0.00012%); highest among the groups gnomAD compares: East Asian, 0.0045%; no homozygotes.

Submissions (3):

ClinGen Myeloid Malignancy Variant Curation Expert Panel
Classification: Likely benign for Hereditary thrombocytopenia and hematological cancer predisposition syndrome associated with RUNX1. Last evaluated: 2022-08-23. Review status: reviewed by expert panel. Criteria: ClinGen MyeloMalig ACMG Specifications v2. Collection method: curation. Allele origin: germline. Inheritance: Autosomal dominant inheritance.
Comment: NM_001754.5(RUNX1):c.496C>A (p.Arg166=) is a synonymous variant. Evolutionary conservation prediction algorithms predict the site as not being conserved (PhyloP score 1.6 < 2.0 or the variant is the reference nucleotide in one primate and/or three mammal species) (BP7). Synonymous variant therefore no REVEL score and SpliceAI is <= 0.20 (0.14) (BP4). In summary, this variant meets criteria to be classified as likely benign. ACMG/AMP criteria applied, as specified by the Myeloid Malignancy Variant Curation Expert Panel for RUNX1: BP4, BP7.

Labcorp Genetics (formerly Invitae), Labcorp
Classification: Likely benign for Hereditary thrombocytopenia and hematological cancer predisposition syndrome associated with RUNX1. Last evaluated: 2025-07-07. Review status: criteria provided, single submitter. Criteria: Invitae Variant Classification Sherloc (09022015). Collection method: clinical testing. Allele origin: germline. Not counted in ClinVar's aggregate classification.

Ambry Genetics
Classification: Likely benign for Inborn genetic diseases. Last evaluated: 2025-01-29. Review status: criteria provided, single submitter. Criteria: Ambry Variant Classification Scheme 2023. Collection method: clinical testing. Allele origin: germline. Not counted in ClinVar's aggregate classification.